The following is an entry in ClinVar:

ClinVar aggregate classification (germline): Uncertain significance (1 of 4 stars; one submission).

Conditions:
Hyperkalemic periodic paralysis. Also called: Familial hyperkalemic periodic paralysis; Gamstorp disease. Identifiers: Orphanet 682, MedGen C0238357, MONDO:0008224, OMIM 170500, HP:0007215.

Allele frequency attached by ClinVar (database versions not stated): gnomAD exomes 0.00001; ExAC 0.00002.
gnomAD v4.1: 8 of 1,613,882 alleles (0.0005%); highest among the groups gnomAD compares: Non-Finnish European, 0.00051%; no homozygotes.

Submission:

Labcorp Genetics (formerly Invitae), Labcorp
Classification: Uncertain significance for Hyperkalemic Periodic Paralysis Type 1. Last evaluated: 2018-12-04. Review status: criteria provided, single submitter. Criteria: Invitae Variant Classification Sherloc (09022015). Collection method: clinical testing. Allele origin: germline.
Comment: This sequence change replaces asparagine with histidine at codon 1547 of the SCN4A protein (p.Asn1547His). The asparagine residue is highly conserved and there is a small physicochemical difference between asparagine and histidine. This variant is present in population databases (rs748718886, ExAC 0.003%). This variant has not been reported in the literature in individuals with SCN4A-related conditions. Algorithms developed to predict the effect of missense changes on protein structure and function (SIFT, PolyPhen-2, Align-GVGD) all suggest that this variant is likely to be disruptive, but these predictions have not been confirmed by published functional studies and their clinical significance is uncertain. In summary, the available evidence is currently insufficient to determine the role of this variant in disease. Therefore, it has been classified as a Variant of Uncertain Significance.

NM_000334.4(SCN4A):c.4639A>C (p.Asn1547His)

Genes: GH-LCR (growth hormone locus control region; plus strand), SCN4A (sodium voltage-gated channel alpha subunit 4; minus strand). Cytogenetic location: 17q23.3.
Variant type: single nucleotide variant.
Coding change: c.4639A>C on transcript NM_000334.4 (MANE Select); coding-DNA position 4639, A replaced by C.
Protein change: p.Asn1547His; replaces asparagine 1547 with histidine.
Molecular consequence: missense variant.
Genome position (GRCh38, 1-based): chr17:63,941,643, T>G on the plus strand (A>C on the coding strand, the complement: SCN4A is on the minus strand). VCF-style: chr17-63941643-T-G. GRCh37 (hg19) VCF-style: chr17-62019003-T-G.
Other names: short protein forms N1547H.
Identifiers: ClinVar variation 647161 (VCV000647161.1), dbSNP rs748718886, ClinGen allele CA8708928.
Genomic context (GRCh38, chr17:63,941,643, plus strand): 5'-CACCCTTGACACTGGTGCCCGGGTTCTCCAGGTTGGGGTCACAGTCTGGGGGCCCGCTGT[T>G]GAGGATGGGGTTGAGGAGCCCGTCCCAGCCGGCCGACGTGGTGATCTCGAACAGGCAGAT-3'
Protein context (NP_000325.4, residues 1537-1557): GWDGLLNPIL[Asn1547His]SGPPDCDPNL